The following is an entry in ClinVar:

ClinVar aggregate classification (germline): Uncertain significance. Review status: criteria provided, multiple submitters, no conflicts (2 of 4 stars). 5 submissions from 5 submitters: Uncertain significance (5). Last evaluated 2026-01-23.

Conditions:
Hereditary cancer-predisposing syndrome. Also called: Neoplastic Syndromes, Hereditary; Hereditary neoplastic syndrome; Tumor predisposition; Hereditary Cancer Syndrome. Identifiers: Orphanet 140162, MedGen C0027672, MeSH D009386, MONDO:0015356.
Endometrial carcinoma. Also called: Endometrial carcinoma, somatic. Identifiers: MedGen C0476089, MONDO:0002447, OMIM 608089, HP:0012114.

Allele frequency attached by ClinVar (database versions not stated): gnomAD exomes below 0.00001.

Submissions (5):

Dasa
Classification: Uncertain significance. Last evaluated: 2026-01-23. Review status: criteria provided, single submitter. Criteria: DASA Assertion Criteria. Collection method: clinical testing. Allele origin: germline.
Comment: NM_002439.5(MSH3):c.2446G>A (p.Glu816Lys) is a missense variant that results in the substitution of glutamic acid with lysine. This variant is absent from population databases. The currently available literature and clinical evidence are not sufficient to establish a definitive association between this variant and the reported condition. Therefore, this variant is classified as a variant of uncertain significance.

Labcorp Genetics (formerly Invitae), Labcorp
Classification: Uncertain significance. Last evaluated: 2025-07-31. Review status: criteria provided, single submitter. Criteria: Invitae Variant Classification Sherloc (09022015). Collection method: clinical testing. Allele origin: germline.
Comment: This sequence change replaces glutamic acid, which is acidic and polar, with lysine, which is basic and polar, at codon 816 of the MSH3 protein (p.Glu816Lys). This variant is present in population databases (no rsID available, gnomAD 0.0009%). This variant has not been reported in the literature in individuals affected with MSH3-related conditions. ClinVar contains an entry for this variant (Variation ID: 859853). An algorithm developed to predict the effect of missense changes on protein structure and function outputs the following: PolyPhen-2: "Benign". The lysine amino acid residue is found in multiple mammalian species, which suggests that this missense change does not adversely affect protein function. In summary, the available evidence is currently insufficient to determine the role of this variant in disease. Therefore, it has been classified as a Variant of Uncertain Significance.

Quest Diagnostics Nichols Institute San Juan Capistrano
Classification: Uncertain significance. Last evaluated: 2024-10-03. Review status: criteria provided, single submitter. Criteria: Quest Diagnostics criteria. Collection method: clinical testing. Allele origin: unknown.
Comment: The MSH3 c.2446G>A (p.Glu816Lys) variant has not been reported in individuals with MSH3-related conditions in the published literature. The frequency of this variant in the general population, 0.000004 (1/251362 chromosomes (Genome Aggregation Database)), is uninformative in the assessment of its pathogenicity. Analysis of this variant using bioinformatics tools for the prediction of the effect of amino acid changes on protein structure and function yielded conflicting predictions that this variant is benign or damaging. Based on the available information, we are unable to determine the clinical significance of this variant.

Ambry Genetics
Classification: Uncertain significance for Hereditary cancer-predisposing syndrome. Last evaluated: 2023-11-02. Review status: criteria provided, single submitter. Criteria: Ambry Variant Classification Scheme 2023. Collection method: clinical testing. Allele origin: germline.
Comment: The p.E816K variant (also known as c.2446G>A), located in coding exon 18 of the MSH3 gene, results from a G to A substitution at nucleotide position 2446. The glutamic acid at codon 816 is replaced by lysine, an amino acid with similar properties. This amino acid position is conserved. In addition, this alteration is predicted to be tolerated by in silico analysis. Since supporting evidence is limited at this time, the clinical significance of this alteration remains unclear.

Baylor Genetics
Classification: Uncertain significance for Endometrial carcinoma. Last evaluated: 2023-05-26. Review status: criteria provided, single submitter. Criteria: ACMG Guidelines, 2015. Collection method: clinical testing. Allele origin: unknown.

NM_002439.5(MSH3):c.2446G>A (p.Glu816Lys)

Gene: MSH3 (mutS homolog 3; plus strand). Cytogenetic location: 5q14.1.
Variant type: single nucleotide variant.
Coding change: c.2446G>A on transcript NM_002439.5 (MANE Select); coding-DNA position 2446, G replaced by A.
Protein change: p.Glu816Lys; replaces glutamic acid 816 with lysine.
Molecular consequence: missense variant.
Genome position (GRCh38, 1-based): chr5:80,787,575, G>A. VCF-style: chr5-80787575-G-A. GRCh37 (hg19) VCF-style: chr5-80083394-G-A.
Other names: short protein forms E816K.
Identifiers: ClinVar variation 859853 (VCV000859853.14), dbSNP rs1230908557, ClinGen allele CA360282968.